The following is an entry in ClinVar:

ClinVar aggregate classification (germline): Uncertain significance (1 of 4 stars; one submission).

Submission:

Labcorp Genetics (formerly Invitae), Labcorp
Classification: Uncertain significance. Last evaluated: 2024-02-13. Review status: criteria provided, single submitter. Criteria: Invitae Variant Classification Sherloc (09022015). Collection method: clinical testing. Allele origin: germline.
Comment: This sequence change replaces glutamine, which is neutral and polar, with proline, which is neutral and non-polar, at codon 4 of the RPS29 protein (p.Gln4Pro). This variant is not present in population databases (gnomAD no frequency). This variant has not been reported in the literature in individuals affected with RPS29-related conditions. An algorithm developed to predict the effect of missense changes on protein structure and function (PolyPhen-2) suggests that this variant is likely to be tolerated. In summary, the available evidence is currently insufficient to determine the role of this variant in disease. Therefore, it has been classified as a Variant of Uncertain Significance.

NM_001032.5(RPS29):c.11A>C (p.Gln4Pro)

Gene: RPS29 (ribosomal protein S29; minus strand). Cytogenetic location: 14q21.3.
Variant type: single nucleotide variant.
Coding change: c.11A>C on transcript NM_001032.5 (MANE Select); coding-DNA position 11, A replaced by C.
Protein change: p.Gln4Pro; replaces glutamine 4 with proline.
Molecular consequence: missense variant. On other transcripts: intron variant (1).
Genome position (GRCh38, 1-based): chr14:49,586,336, T>G on the plus strand (A>C on the coding strand, the complement: RPS29 is on the minus strand). VCF-style: chr14-49586336-T-G. GRCh37 (hg19) VCF-style: chr14-50053054-T-G.
Other names: c.11A>C, p.Gln4Pro (NM_001030001.4); c.54-287A>C (NM_001351375.2); short protein forms Q4P.
Identifiers: ClinVar variation 3672515 (VCV003672515.2).